The following is an entry in ClinVar:

NM_018180.3(DHX32):c.1121C>T (p.Ser374Leu)

Genes: BCCIP (BRCA2 and CDKN1A interacting protein; plus strand), DHX32 (DEAH-box helicase 32 (putative); minus strand). Cytogenetic location: 10q26.2.
Variant type: single nucleotide variant.
Coding change: c.1121C>T on transcript NM_018180.3 (MANE Select); coding-DNA position 1121, C replaced by T.
Protein change: p.Ser374Leu; replaces serine 374 with leucine.
Molecular consequence: missense variant. On other transcripts: intron variant (1).
Genome position (GRCh38, 1-based): chr10:125,852,614, G>A on the plus strand (C>T on the coding strand, the complement: DHX32 is on the minus strand). VCF-style: chr10-125852614-G-A. GRCh37 (hg19) VCF-style: chr10-127541183-G-A.
Other names: c.851-511G>A (NM_016567.4); short protein forms S374L.
Identifiers: ClinVar variation 2428344 (VCV002428344.42), dbSNP rs776137704, ClinGen allele CA5739268.
Genomic context (GRCh38, chr10:125,852,614, plus strand): 5'-GAGCCAAGAATCTGCTTGCGTATCTCTGCCTGGCTCTGGCTGATGGGCTGCATGACGAGC[G>A]AGTTTGCTCTTATTCTCGGGTTGTACACCTTTAAATGGAAAGACAGCATCATTAGCGTCA-3'
Protein context (NP_060650.2, residues 364-384): KVYNPRIRAN[Ser374Leu]LVMQPISQSQ

ClinVar aggregate classification (germline): Uncertain significance (1 of 4 stars; one submission).

Allele frequency attached by ClinVar (database versions not stated): gnomAD exomes 0.00001; ExAC 0.00004; TOPMed 0.00002.
gnomAD v4.1: 12 of 1,612,286 alleles (0.00074%); highest among the groups gnomAD compares: Admixed American, 0.018%; no homozygotes.

Submission:

Labcorp Genetics (formerly Invitae), Labcorp
Classification: Uncertain significance. Last evaluated: 2023-12-09. Review status: criteria provided, single submitter. Criteria: Invitae Variant Classification Sherloc (09022015). Collection method: clinical testing. Allele origin: germline.
Comment: This sequence change replaces serine, which is neutral and polar, with leucine, which is neutral and non-polar, at codon 374 of the DHX32 protein (p.Ser374Leu). This variant is present in population databases (rs776137704, gnomAD 0.03%). This variant has not been reported in the literature in individuals affected with DHX32-related conditions. ClinVar contains an entry for this variant (Variation ID: 2428344). An algorithm developed to predict the effect of missense changes on protein structure and function (PolyPhen-2) suggests that this variant is likely to be disruptive. In summary, the available evidence is currently insufficient to determine the role of this variant in disease. Therefore, it has been classified as a Variant of Uncertain Significance.